The following is an entry in ClinVar:

NM_000439.5(PCSK1):c.2174T>A (p.Val725Asp)

Genes: CAST (calpastatin; plus strand), PCSK1 (proprotein convertase subtilisin/kexin type 1; minus strand), LOC101929710 (uncharacterized LOC101929710; plus strand). Cytogenetic location: 5q15.
Variant type: single nucleotide variant.
Coding change: c.2174T>A on transcript NM_000439.5 (MANE Select); coding-DNA position 2174, T replaced by A.
Protein change: p.Val725Asp; replaces valine 725 with aspartic acid.
Molecular consequence: missense variant. On other transcripts: intron variant (11).
Genome position (GRCh38, 1-based): chr5:96,393,089, A>T on the plus strand (T>A on the coding strand, the complement: PCSK1 is on the minus strand). VCF-style: chr5-96393089-A-T. GRCh37 (hg19) VCF-style: chr5-95728793-A-T.
Other names: c.2033T>A, p.Val678Asp (NM_001177875.2); c.-175+13437A>T (NM_001423254.1, NM_001423259.1, NM_001423255.1 and 6 more transcripts); c.-103+13437A>T (NM_001423253.1); c.-40+13437A>T (NM_001423258.1); short protein forms V678D, V725D.
Identifiers: ClinVar variation 3347188 (VCV003347188.1).

ClinVar aggregate classification (germline): Uncertain significance (0 of 4 stars; one submission).

Conditions:
PCSK1-related disorder. Also called: PCSK1-related condition.

gnomAD v4.1: 1 of 1,614,098 alleles (0.000062%); highest among the groups gnomAD compares: South Asian, 0.0011%; no homozygotes.

Submission:

PreventionGenetics, part of Exact Sciences
Classification: Uncertain significance for PCSK1-related condition. Last evaluated: 2024-05-10. Review status: no assertion criteria provided. Collection method: clinical testing. Allele origin: germline.
Comment: The PCSK1 c.2174T>A variant is predicted to result in the amino acid substitution p.Val725Asp. To our knowledge, this variant has not been reported in the literature. This variant is reported in 0.0033% of alleles in individuals of South Asian descent in gnomAD. At this time, the clinical significance of this variant is uncertain due to the absence of conclusive functional and genetic evidence.